The following is an entry in ClinVar:

ClinVar aggregate classification (germline): Likely benign. Review status: criteria provided, multiple submitters, no conflicts (2 of 4 stars). 3 submissions from 3 submitters: Likely benign (3). Last evaluated 2024-02-23.

Conditions:
Nephrotic syndrome, type 3 (NPHS3). Also called: NEPHROTIC SYNDROME, EARLY-ONSET, TYPE 3. Identifiers: Orphanet 656, MedGen C1853124, MONDO:0012546, OMIM 610725.

Allele frequency attached by ClinVar (database versions not stated): gnomAD 0.00006 and 0.00017; TOPMed 0.00009; gnomAD exomes 0.00020 and 0.00032; ExAC 0.00030; 1000 Genomes Project 30x 0.00094; 1000 Genomes Project 0.00120.
gnomAD v4.1: 484 of 1,614,134 alleles (0.03%); highest among the groups gnomAD compares: East Asian, 1.1%; 1 homozygote.

Submissions (3):

Fulgent Genetics
Classification: Likely benign for Nephrotic syndrome, type 3. Last evaluated: 2024-02-23. Review status: criteria provided, single submitter. Criteria: ACMG Guidelines, 2015. Collection method: clinical testing. Allele origin: germline.

Labcorp Genetics (formerly Invitae), Labcorp
Classification: Likely benign. Last evaluated: 2022-12-06. Review status: criteria provided, single submitter. Criteria: Invitae Variant Classification Sherloc (09022015). Collection method: clinical testing. Allele origin: germline.

Illumina Laboratory Services, Illumina
Classification: Likely benign for Nephrotic syndrome, type 3. Last evaluated: 2018-01-12. Review status: criteria provided, single submitter. Criteria: ICSL Variant Classification Criteria 13 December 2019. Collection method: clinical testing. Allele origin: germline.
Comment: This variant was observed in the ICSL laboratory as part of a predisposition screen in an ostensibly healthy population. It had not been previously curated by ICSL or reported in the Human Gene Mutation Database (HGMD: prior to June 1st, 2018), and was therefore a candidate for classification through an automated scoring system. Utilizing variant allele frequency, disease prevalence and penetrance estimates, and inheritance mode, an automated score was calculated to assess if this variant is too frequent to cause the disease. Based on the score and internal cut-off values, a variant classified as likely benign is not then subjected to further curation. The score for this variant resulted in a classification of likely benign for this disease.

NM_016341.4(PLCE1):c.1228G>A (p.Glu410Lys)

Gene: PLCE1 (phospholipase C epsilon 1; plus strand). Cytogenetic location: 10q23.33.
Variant type: single nucleotide variant.
Coding change: c.1228G>A on transcript NM_016341.4 (MANE Select); coding-DNA position 1228, G replaced by A.
Protein change: p.Glu410Lys; replaces glutamic acid 410 with lysine.
Molecular consequence: missense variant.
Genome position (GRCh38, 1-based): chr10:94,132,195, G>A. VCF-style: chr10-94132195-G-A. GRCh37 (hg19) VCF-style: chr10-95891952-G-A.
Other names: c.304G>A, p.Glu102Lys (NM_001165979.2); c.1228G>A, p.Glu410Lys (NM_001288989.2); short protein forms E102K, E410K.
Identifiers: ClinVar variation 722496 (VCV000722496.12), dbSNP rs145451189, ClinGen allele CA5612322.